The following is an entry in ClinVar:

ClinVar aggregate classification (germline): Likely pathogenic (1 of 4 stars; one submission).

Conditions:
Rhabdoid tumor predisposition syndrome 1 (RTPS1). Also called: Familial Posterior Fossa Brain Tumor of Infancy. Identifiers: Orphanet 231108, Orphanet 69077, MedGen C1836327, MONDO:0012252, OMIM 609322.

Submission:

Diller/Parad Lab, Dana-Farber/Harvard Cancer Center
Classification: Likely pathogenic for Rhabdoid tumor predisposition syndrome 1. Last evaluated: 2026-05-29. Review status: criteria provided, single submitter. Criteria: ACMG Guidelines, 2015. Collection method: research. Allele origin: germline. Affected: yes.
Comment: It has been classified as Likely Pathogenic using Richards et al (PMID:25741868) based on the following evidence codes: PM2, PVS1.

NM_003073.5(SMARCB1):c.344_345dup (p.Pro116fs)

Gene: SMARCB1 (SWI/SNF related BAF chromatin remodeling complex subunit B1; plus strand). Cytogenetic location: 22q11.23.
Variant type: Microsatellite.
Coding change: c.344_345dup on transcript NM_003073.5 (MANE Select); coding-DNA positions 344 to 345, 2 bases duplicated (AG; older notation c.344_345dupAG).
Protein change: p.Pro116fs; shifts the reading frame from proline 116.
Molecular consequence: frameshift variant.
Genome position (GRCh38, 1-based): chr22:23,793,670-23,793,671, AG duplicated; duplicating any 2 consecutive bases within chr22:23,793,668-23,793,671 gives the same sequence; the c. name uses the placement nearest the transcript's 3' end. VCF-style (leftmost placement, unchanged base first): chr22-23793667-C-CAG. GRCh37 (hg19) VCF-style: chr22-24135854-C-CAG.
Other names: c.315_316dup (NM_001007468.3); c.317_318dup, p.Pro107fs (NM_001007468.3, NM_001317946.2); c.344_345dup, p.Pro116fs (NM_001362877.2); short protein forms P107fs, P116fs.
Identifiers: ClinVar variation 4884456 (VCV004884456.1).